The following is an entry in ClinVar:

NM_016239.4(MYO15A):c.4039-15C>T

Gene: MYO15A (myosin XVA; plus strand). Cytogenetic location: 17p11.2.
Variant type: single nucleotide variant.
Coding change: c.4039-15C>T on transcript NM_016239.4 (MANE Select); 15 bases into the intron before coding-DNA position 4039, C replaced by T.
Molecular consequence: intron variant.
Genome position (GRCh38, 1-based): chr17:18,131,224, C>T. VCF-style: chr17-18131224-C-T. GRCh37 (hg19) VCF-style: chr17-18034538-C-T.
Identifiers: ClinVar variation 164519 (VCV000164519.4), dbSNP rs727503308, ClinGen allele CA177222.
Genomic context (GRCh38, chr17:18,131,224, plus strand): 5'-CCAGCTATGCCCCCCACCCAGGCCCCCAGAACAGTGCCTAGCCCCTCAATTCCCACATCT[C>T]CTTCTGGAGTCCAGATCCTGGAGGCAACACCCCTCTTGGAGTCCTTCGGTAATGCCAAAA-3'

ClinVar aggregate classification (germline): Likely benign (1 of 4 stars; one submission).

Allele frequency attached by ClinVar (database versions not stated): gnomAD exomes below 0.00001.
gnomAD v4.1: 1 of 1,611,248 alleles (0.000062%); highest among the groups gnomAD compares: Non-Finnish European, 0.000085%; no homozygotes.

Submission:

Laboratory for Molecular Medicine, Mass General Brigham Personalized Medicine
Classification: Likely benign. Last evaluated: 2014-06-12. Review status: criteria provided, single submitter. Criteria: LMM Criteria. Collection method: clinical testing. Allele origin: germline. Observed: 1 variant allele.
Comment: 4039-15C>T variant in intron 8 of MYO15A: This variant is not expected to have c linical significance because a C>T change at this position does not diverge from the splice consensus and is therefore unlikely to impact splicing.